The following is an entry in ClinVar:

ClinVar aggregate classification (germline): Pathogenic (1 of 4 stars; one submission).

Conditions:
Ataxia-telangiectasia syndrome (AT). Also called: Ataxia telangiectasia (A-T); ATAXIA-TELANGIECTASIA, COMPLEMENTATION GROUP A; ATAXIA-TELANGIECTASIA, FRESNO VARIANT; Ataxia-telangiectasia; Ataxia-telangiectasia, complementation group E; LOUIS-BAR SYNDROME. Identifiers: Orphanet 100, MedGen C0004135, MONDO:0008840, OMIM 208900.

Submission:

Labcorp Genetics (formerly Invitae), Labcorp
Classification: Pathogenic for Ataxia-telangiectasia syndrome. Last evaluated: 2020-02-13. Review status: criteria provided, single submitter. Criteria: Invitae Variant Classification Sherloc (09022015). Collection method: clinical testing. Allele origin: germline.
Comment: This variant is not present in population databases (ExAC no frequency). This sequence change creates a premature translational stop signal (p.Leu2027*) in the ATM gene. It is expected to result in an absent or disrupted protein product. This variant has not been reported in the literature in individuals with ATM-related conditions. For these reasons, this variant has been classified as Pathogenic. Loss-of-function variants in ATM are known to be pathogenic (PMID: 23807571, 25614872).

Literature cited by the submitters: PubMed 23807571; PubMed 25614872.

NM_000051.4(ATM):c.6080T>G (p.Leu2027Ter)

Genes: ATM (ATM serine/threonine kinase; plus strand), C11orf65 (chromosome 11 open reading frame 65; minus strand). Cytogenetic location: 11q22.3.
Variant type: single nucleotide variant.
Coding change: c.6080T>G on transcript NM_000051.4 (MANE Select); coding-DNA position 6080, T replaced by G.
Protein change: p.Leu2027Ter; replaces leucine 2027 with a stop codon.
Molecular consequence: nonsense. On other transcripts: intron variant (2).
Genome position (GRCh38, 1-based): chr11:108,315,896, T>G. VCF-style: chr11-108315896-T-G. GRCh37 (hg19) VCF-style: chr11-108186623-T-G.
Other names: c.6080T>G, p.Leu2027Ter (NM_001351834.2); c.641-6825A>C (NM_001330368.2); c.*39-6825A>C (NM_001351110.2); short protein forms L2027*.
Identifiers: ClinVar variation 1068798 (VCV001068798.45), dbSNP rs2136121259, ClinGen allele CA382550150.